The following is an entry in ClinVar:

NM_007294.4(BRCA1):c.3223A>G (p.Asn1075Asp)

Genes: BRCA1 (BRCA1 DNA repair associated; minus strand), LOC126862571 (BRD4-independent group 4 enhancer GRCh37_chr17:41243136-41244335; plus strand). Cytogenetic location: 17q21.31.
Variant type: single nucleotide variant.
Coding change: c.3223A>G on transcript NM_007294.4 (MANE Select); coding-DNA position 3223, A replaced by G.
Protein change: p.Asn1075Asp; replaces asparagine 1075 with aspartic acid.
Molecular consequence: missense variant. On other transcripts: intron variant (137).
Genome position (GRCh38, 1-based): chr17:43,092,308, T>C on the plus strand (A>G on the coding strand, the complement: BRCA1 is on the minus strand). VCF-style: chr17-43092308-T-C. GRCh37 (hg19) VCF-style: chr17-41244325-T-C.
Other names: c.3220A>G, p.Asn1074Asp (NM_001407861.1, NM_001407860.1, NM_001407587.1 and 22 more transcripts); c.3013A>G, p.Asn1005Asp (NM_001407879.1, NM_001407881.1, NM_001407882.1 and 13 more transcripts); c.3022A>G, p.Asn1008Asp (NM_001407862.1); c.3100A>G, p.Asn1034Asp (NM_001407863.1, NM_001407664.1, NM_001407665.1 and 19 more transcripts); c.3019A>G, p.Asn1007Asp (NM_001407874.1, NM_001407875.1); c.3097A>G, p.Asn1033Asp (NM_001407649.1, NM_001407670.1, NM_001407671.1 and 11 more transcripts); c.3223A>G, p.Asn1075Asp (NM_001407652.1, NM_001407684.1, NM_001407854.1 and 30 more transcripts); c.3145A>G, p.Asn1049Asp (NM_001407653.1, NM_001407654.1, NM_001407655.1 and 4 more transcripts); and 41 more; short protein forms N1075D, N1028D, N1005D, N1033D, N1049D, N1074D, N986D, N1034D.
Identifiers: ClinVar variation 573320 (VCV000573320.15), dbSNP rs1567792459, ClinGen allele CA10595536.

ClinVar aggregate classification (germline): Conflicting classifications of pathogenicity. Review status: criteria provided, conflicting classifications (1 of 4 stars). 3 submissions from 3 submitters: Uncertain significance (2); Likely benign (1). Last evaluated 2025-03-12.

Conditions:
Hereditary breast ovarian cancer syndrome. Also called: BRCA1- and BRCA2-Associated Hereditary Breast and Ovarian Cancer; Hereditary breast and ovarian cancer; Hereditary breast and/or ovarian cancer syndrome; Hereditary breast and ovarian cancer syndrome; Hereditary breast and ovarian cancer syndrome (HBOC); Breast and ovarian cancer. Identifiers: Orphanet 145, MedGen C0677776, MeSH D061325, MONDO:0003582. Disease mechanism: loss of function.
Hereditary cancer-predisposing syndrome. Also called: Neoplastic Syndromes, Hereditary; Hereditary Cancer Syndrome; Tumor predisposition; Hereditary neoplastic syndrome. Identifiers: Orphanet 140162, MedGen C0027672, MeSH D009386, MONDO:0015356.

Allele frequency attached by ClinVar (database versions not stated): TOPMed below 0.00001.

Submissions (3):

Ambry Genetics
Classification: Uncertain significance for Hereditary cancer-predisposing syndrome. Last evaluated: 2025-03-12. Review status: criteria provided, single submitter. Criteria: Ambry Variant Classification Scheme 2023. Collection method: clinical testing. Allele origin: germline.
Comment: The p.N1075D variant (also known as c.3223A>G), located in coding exon 9 of the BRCA1 gene, results from an A to G substitution at nucleotide position 3223. The asparagine at codon 1075 is replaced by aspartic acid, an amino acid with highly similar properties. This alteration was identified in a cohort of German patients considered to be at increased risk for HBOC syndrome. (Meisel C et al. Arch. Gynecol. Obstet., 2017 May;295:1227-1238). This amino acid position is not well conserved in available vertebrate species. In addition, the in silico prediction for this alteration is inconclusive. Based on the available evidence, the clinical significance of this variant remains unclear.

Labcorp Genetics (formerly Invitae), Labcorp
Classification: Uncertain significance for Hereditary breast ovarian cancer syndrome. Last evaluated: 2025-02-06. Review status: criteria provided, single submitter. Criteria: Invitae Variant Classification Sherloc (09022015). Collection method: clinical testing. Allele origin: germline.
Comment: This sequence change replaces asparagine, which is neutral and polar, with aspartic acid, which is acidic and polar, at codon 1075 of the BRCA1 protein (p.Asn1075Asp). This variant is not present in population databases (gnomAD no frequency). This missense change has been observed in individual(s) with a family history of hereditary breast or ovarian cancer (HBOC) (PMID: 28324225). ClinVar contains an entry for this variant (Variation ID: 573320). Invitae Evidence Modeling of protein sequence and biophysical properties (such as structural, functional, and spatial information, amino acid conservation, physicochemical variation, residue mobility, and thermodynamic stability) indicates that this missense variant is not expected to disrupt BRCA1 protein function with a negative predictive value of 80%. In summary, the available evidence is currently insufficient to determine the role of this variant in disease. Therefore, it has been classified as a Variant of Uncertain Significance.

University of Washington Department of Laboratory Medicine, University of Washington
Classification: Likely benign for Hereditary cancer-predisposing syndrome. Last evaluated: 2023-03-23. Review status: criteria provided, single submitter. Criteria: Dines et al. (Genet Med. 2020). Collection method: curation. Allele origin: germline.
Comment: Missense variant in a coldspot region where missense variants are very unlikely to be pathogenic (PMID:31911673).

BRCA1 coldspot (exon 11 using historical exon numbering). Reclassification based on statistical prior probability

Literature cited by the submitters: PubMed 28324225 (cited by Ambry Genetics and Labcorp Genetics (formerly Invitae), Labcorp).